The following is an entry in ClinVar:

NM_138701.4(MPLKIP):c.494G>T (p.Ser165Ile)

Gene: MPLKIP (M-phase specific PLK1 interacting protein; minus strand). Cytogenetic location: 7p14.1.
Variant type: single nucleotide variant.
Coding change: c.494G>T on transcript NM_138701.4 (MANE Select); coding-DNA position 494, G replaced by T.
Protein change: p.Ser165Ile; replaces serine 165 with isoleucine.
Molecular consequence: missense variant.
Genome position (GRCh38, 1-based): chr7:40,133,105, C>A on the plus strand (G>T on the coding strand, the complement: MPLKIP is on the minus strand). VCF-style: chr7-40133105-C-A. GRCh37 (hg19) VCF-style: chr7-40172704-C-A.
Other names: short protein forms S165I.
Identifiers: ClinVar variation 548559 (VCV000548559.12), dbSNP rs778910338, ClinGen allele CA4229164.

ClinVar aggregate classification (germline): Uncertain significance. Review status: criteria provided, multiple submitters, no conflicts (2 of 4 stars). 3 submissions from 3 submitters: Uncertain significance (3). Last evaluated 2026-01-05.

Conditions:
Inborn genetic diseases. Identifiers: MedGen C0950123, MeSH D030342.
Trichothiodystrophy 4, nonphotosensitive. Also called: HAIR-BRAIN SYNDROME; Trichothiodystrophy nonphotosensitive; AMISH BRITTLE HAIR BRAIN SYNDROME; BIDS SYNDROME. Identifiers: MedGen C1313961, MONDO:0021013, OMIM 234050.

Allele frequency attached by ClinVar (database versions not stated): ExAC 0.00001; gnomAD exomes 0.00001; gnomAD 0.00002; TOPMed 0.00002.
gnomAD v4.1: 73 of 1,613,812 alleles (0.0045%); highest among the groups gnomAD compares: Non-Finnish European, 0.0056%; no homozygotes.

Submissions (3):

Labcorp Genetics (formerly Invitae), Labcorp
Classification: Uncertain significance. Last evaluated: 2026-01-05. Review status: criteria provided, single submitter. Criteria: Invitae Variant Classification Sherloc (09022015). Collection method: clinical testing. Allele origin: germline.
Comment: This sequence change replaces serine, which is neutral and polar, with isoleucine, which is neutral and non-polar, at codon 165 of the MPLKIP protein (p.Ser165Ile). This variant is present in population databases (rs778910338, gnomAD 0.002%). This variant has not been reported in the literature in individuals affected with MPLKIP-related conditions. ClinVar contains an entry for this variant (Variation ID: 548559). An algorithm developed to predict the effect of missense changes on protein structure and function (PolyPhen-2) suggests that this variant is likely to be tolerated. In summary, the available evidence is currently insufficient to determine the role of this variant in disease. Therefore, it has been classified as a Variant of Uncertain Significance.

Ambry Genetics
Classification: Uncertain significance for Inborn genetic diseases. Last evaluated: 2025-11-13. Review status: criteria provided, single submitter. Criteria: Ambry Variant Classification Scheme 2023. Collection method: clinical testing. Allele origin: germline.

Genomic Research Center, Shahid Beheshti University of Medical Sciences
Classification: Uncertain significance for Trichothiodystrophy 4, nonphotosensitive. Last evaluated: 2018-03-05. Review status: criteria provided, single submitter. Criteria: ACMG Guidelines, 2015. Collection method: clinical testing. Allele origin: inherited. Affected: no. Observed: 1 variant allele.